The following is an entry in ClinVar:

NM_000070.3(CAPN3):c.2181G>A (p.Trp727Ter)

Gene: CAPN3 (calpain 3; plus strand). Cytogenetic location: 15q15.1.
Variant type: single nucleotide variant.
Coding change: c.2181G>A on transcript NM_000070.3 (MANE Select); coding-DNA position 2181, G replaced by A.
Protein change: p.Trp727Ter; replaces tryptophan 727 with a stop codon.
Molecular consequence: nonsense.
Genome position (GRCh38, 1-based): chr15:42,410,493, G>A. VCF-style: chr15-42410493-G-A. GRCh37 (hg19) VCF-style: chr15-42702691-G-A.
Other names: c.2163G>A, p.Trp721Ter (NM_024344.2); c.1905G>A, p.Trp635Ter (NM_173087.2); c.645G>A, p.Trp215Ter (NM_173088.2); c.186G>A, p.Trp62Ter (NM_173089.2, NM_173090.2); short protein forms W215*, W62*, W635*, W721*, W727*.
Identifiers: ClinVar variation 5014891 (VCV005014891.1).

ClinVar aggregate classification (germline): Pathogenic (1 of 4 stars; one submission).

Conditions:
Autosomal recessive limb-girdle muscular dystrophy type 2A (LGMDR1). Also called: LEYDEN-MOEBIUS MUSCULAR DYSTROPHY; MUSCULAR DYSTROPHY, PELVOFEMORAL; Limb-girdle muscular dystrophy, type 2A; Calpainopathy; Muscular dystrophy, limb-girdle, type 2A, Amish. Identifiers: Orphanet 267, MedGen C1869123, MONDO:0009675, OMIM 253600. Disease mechanism: loss of function.

Submission:

Myriad Genetics, Inc.
Classification: Pathogenic for Autosomal recessive limb-girdle muscular dystrophy type 2A. Last evaluated: 2025-08-19. Review status: criteria provided, single submitter. Criteria: Myriad Autosomal Dominant, Autosomal Recessive and X-Linked Classification Criteria (2023). Collection method: clinical testing. Allele origin: unknown.
Comment: NM_000070.2(CAPN3):c.2181G>A(W727*) is expected to be pathogenic in the context of calpainopathy. This variant is predicted to lead to an abnormal or absent protein product due to the creation of a premature termination codon in CAPN3, a gene where loss-of-function variants are known to be pathogenic. Please note: this variant was assessed in the context of healthy population screening.